The following is an entry in ClinVar:

NM_004360.5(CDH1):c.1433T>C (p.Leu478Pro)

Gene: CDH1 (cadherin 1; plus strand). Cytogenetic location: 16q22.1.
Variant type: single nucleotide variant.
Coding change: c.1433T>C on transcript NM_004360.5 (MANE Select); coding-DNA position 1433, T replaced by C.
Protein change: p.Leu478Pro; replaces leucine 478 with proline.
Molecular consequence: missense variant. On other transcripts: 5 prime UTR variant (2).
Genome position (GRCh38, 1-based): chr16:68,815,627, T>C. VCF-style: chr16-68815627-T-C. GRCh37 (hg19) VCF-style: chr16-68849530-T-C.
Other names: c.1433T>C (LRG_301t1); c.1250T>C, p.Leu417Pro (NM_001317184.2); c.-116T>C (NM_001317185.2); c.-387T>C (NM_001317186.2); short protein forms L478P, L417P.
Identifiers: ClinVar variation 142286 (VCV000142286.19), dbSNP rs35520415, ClinGen allele CA167956.

ClinVar aggregate classification (germline): Conflicting classifications of pathogenicity. Review status: criteria provided, conflicting classifications (1 of 4 stars). 5 submissions from 5 submitters: Uncertain significance (4); Likely benign (1). Last evaluated 2025-09-08.

Conditions:
Hereditary cancer-predisposing syndrome. Also called: Neoplastic Syndromes, Hereditary; Hereditary Cancer Syndrome; Hereditary neoplastic syndrome; Tumor predisposition. Identifiers: Orphanet 140162, MedGen C0027672, MeSH D009386, MONDO:0015356.
Hereditary diffuse gastric adenocarcinoma (HDGC). Also called: DIFFUSE GASTRIC AND LOBULAR BREAST CANCER SYNDROME. Identifiers: Orphanet 26106, MedGen C1708349, MONDO:0007648, OMIM 137215.

Submissions (5):

Labcorp Genetics (formerly Invitae), Labcorp
Classification: Uncertain significance for Hereditary diffuse gastric adenocarcinoma. Last evaluated: 2025-09-08. Review status: criteria provided, single submitter. Criteria: Invitae Variant Classification Sherloc (09022015). Collection method: clinical testing. Allele origin: germline.
Comment: This sequence change replaces leucine, which is neutral and non-polar, with proline, which is neutral and non-polar, at codon 478 of the CDH1 protein (p.Leu478Pro). This variant is not present in population databases (gnomAD no frequency). This variant has not been reported in the literature in individuals affected with CDH1-related conditions. ClinVar contains an entry for this variant (Variation ID: 142286). An algorithm developed to predict the effect of missense changes on protein structure and function (PolyPhen-2) suggests that this variant is likely to be disruptive. In summary, the available evidence is currently insufficient to determine the role of this variant in disease. Therefore, it has been classified as a Variant of Uncertain Significance.

Ambry Genetics
Classification: Likely benign for Hereditary cancer-predisposing syndrome. Last evaluated: 2024-09-24. Review status: criteria provided, single submitter. Criteria: Ambry Variant Classification Scheme 2023. Collection method: clinical testing. Allele origin: germline.

GeneDx
Classification: Uncertain significance. Last evaluated: 2024-05-14. Review status: criteria provided, single submitter. Criteria: GeneDx Variant Classification Process June 2021. Collection method: clinical testing. Allele origin: germline. Affected: yes.
Comment: Not observed at significant frequency in large population cohorts (gnomAD); In silico analysis indicates that this missense variant does not alter protein structure/function; Has not been previously published as pathogenic or benign to our knowledge; This variant is associated with the following publications: (PMID: 26659599, 15235021, 22850631)

Quest Diagnostics Nichols Institute San Juan Capistrano
Classification: Uncertain significance. Last evaluated: 2023-10-10. Review status: criteria provided, single submitter. Criteria: Quest Diagnostics criteria. Collection method: clinical testing. Allele origin: unknown.

Color Diagnostics, LLC DBA Color Health
Classification: Uncertain significance for Hereditary cancer-predisposing syndrome. Last evaluated: 2021-01-04. Review status: criteria provided, single submitter. Criteria: ACMG Guidelines, 2015. Collection method: clinical testing. Allele origin: germline.
Comment: This missense variant replaces leucine with proline at codon 478 of the CDH1 protein. To our knowledge, functional studies have not been reported for this variant. This variant has not been reported in individuals affected with hereditary cancer in the literature. This variant has not been identified in the general population by the Genome Aggregation Database (gnomAD). The available evidence is insufficient to determine the role of this variant in disease conclusively. Therefore, this variant is classified as a Variant of Uncertain Significance.